The following is an entry in ClinVar:

ClinVar aggregate classification (germline): Conflicting classifications of pathogenicity. Review status: criteria provided, conflicting classifications (1 of 4 stars). 2 submissions from 2 submitters: Pathogenic (1); Uncertain significance (1). Last evaluated 2025-01-16.

Conditions:
Heimler syndrome 1 (HMLR1). Also called: PEROXISOME BIOGENESIS DISORDER 1C. Identifiers: Orphanet 3220, MedGen C4551980, OMIM 234580, MONDO:0024544.

Allele frequency attached by ClinVar (database versions not stated): gnomAD 0.00005; TOPMed 0.00007; 1000 Genomes Project 0.00020; 1000 Genomes Project 30x 0.00031.

Submissions (2):

Women's Health and Genetics/Laboratory Corporation of America, LabCorp
Classification: Uncertain significance. Last evaluated: 2025-01-16. Review status: criteria provided, single submitter. Criteria: LabCorp Variant Classification Summary - May 2015. Collection method: clinical testing. Allele origin: germline.
Comment: Variant summary: PEX1 c.1240-1551A>G is located at a position not widely known to affect splicing. Consensus agreement among computation tools predict no significant impact on normal splicing. The variant was absent in 31396 control chromosomes. c.1240-1551A>G has been reported in the literature in at-least one presumed cpmpound heterozygous individual affected with Usher syndrome, immune abnormality, neutropenia, abnormality of retina, cataract, visual impairment, hearing impairment and authors confirmed the variant by RNA seq (Yepez_2022). The following publication has been ascertained in the context of this evaluation (PMID: 35379322). ClinVar contains an entry for this variant (Variation ID: 1711846). Based on the evidence outlined above, the variant was classified as VUS-possibly pathogenic.

Inborn Errors of Metabolism, Hospital Clinic, IDIBAPS, CIBERER
Classification: Pathogenic for Heimler syndrome 1. Review status: criteria provided, single submitter. Criteria: Submitter's publication. Collection method: research. Allele origin: maternal. Inheritance: Autosomal recessive inheritance. Affected: yes. Observed: 1 compound heterozygote.

Literature cited by the submitters: PubMed 35379322 (cited by Women's Health and Genetics/Laboratory Corporation of America, LabCorp); DOI 10.3390/ijms232012367 (cited by Inborn Errors of Metabolism, Hospital Clinic, IDIBAPS, CIBERER).

NM_000466.3(PEX1):c.1240-1551A>G

Gene: PEX1 (peroxisomal biogenesis factor 1; minus strand). Cytogenetic location: 7q21.2.
Variant type: single nucleotide variant.
Coding change: c.1240-1551A>G on transcript NM_000466.3 (MANE Select); 1551 bases into the intron before coding-DNA position 1240, A replaced by G.
Molecular consequence: intron variant.
Genome position (GRCh38, 1-based): chr7:92,515,518, T>C on the plus strand (A>G on the coding strand, the complement: PEX1 is on the minus strand). VCF-style: chr7-92515518-T-C. GRCh37 (hg19) VCF-style: chr7-92144832-T-C.
Other names: c.1240-1551A>G (NM_001282677.2); c.616-1551A>G (NM_001282678.2).
Identifiers: ClinVar variation 1711846 (VCV001711846.4), dbSNP rs547793908, ClinGen allele CA161971777.